The following is an entry in ClinVar:

ClinVar aggregate classification (germline): Uncertain significance. Review status: criteria provided, multiple submitters, no conflicts (2 of 4 stars). 2 submissions from 2 submitters: Uncertain significance (2). Last evaluated 2025-09-10.

Conditions:
Lewy body dementia (DLB). Also called: Lewy Body Disease. Identifiers: MedGen C0752347, MONDO:0007488, OMIM 127750.

Allele frequency attached by ClinVar (database versions not stated): gnomAD 0.00003; TOPMed 0.00003; ESP Exome Variant Server 0.00008; gnomAD exomes 0.00002; ExAC 0.00003.
gnomAD v4.1: 35 of 1,613,682 alleles (0.0022%); highest among the groups gnomAD compares: African/African-American, 0.02%; no homozygotes.

Submissions (2):

Genomic Medicine Center of Excellence, King Faisal Specialist Hospital and Research Centre
Classification: Uncertain significance for Lewy body dementia. Last evaluated: 2025-09-10. Review status: criteria provided, single submitter. Criteria: ACMG Guidelines, 2015. Collection method: clinical testing. Allele origin: germline.

Women's Health and Genetics/Laboratory Corporation of America, LabCorp
Classification: Uncertain significance. Last evaluated: 2023-02-21. Review status: criteria provided, single submitter. Criteria: LabCorp Variant Classification Summary - May 2015. Collection method: clinical testing. Allele origin: germline.
Comment: Variant summary: GBA c.136A>G (p.Lys46Glu) results in a conservative amino acid change in the encoded protein sequence. Three of five in-silico tools predict a damaging effect of the variant on protein function. The variant allele was found at a frequency of 3.6e-05 in 250822 control chromosomes (gnomAD). The available data on variant occurrences in the general population are insufficient to allow any conclusion about variant significance. c.136A>G has been reported in the literature in individuals affected with Parkinson Disease (example: Neumann_2009). This report does not provide unequivocal conclusions about association of the variant with Gaucher Disease. To our knowledge, no experimental evidence demonstrating an impact on protein function has been reported. No clinical diagnostic laboratories have submitted clinical-significance assessments for this variant to ClinVar after 2014. Based on the evidence outlined above, the variant was classified as uncertain significance.

Literature cited by the submitters: PubMed 19286695 (cited by Women's Health and Genetics/Laboratory Corporation of America, LabCorp).

NM_000157.4(GBA1):c.136A>G (p.Lys46Glu)

Genes: GBA1 (glucosylceramidase beta 1; minus strand), LOC106627981 (GBA recombination region; plus strand). Cytogenetic location: 1q22.
Variant type: single nucleotide variant.
Coding change: c.136A>G on transcript NM_000157.4 (MANE Select); coding-DNA position 136, A replaced by G.
Protein change: p.Lys46Glu; replaces lysine 46 with glutamic acid.
Molecular consequence: missense variant. On other transcripts: 5 prime UTR variant (1).
Genome position (GRCh38, 1-based): chr1:155,240,057, T>C on the plus strand (A>G on the coding strand, the complement: GBA1 is on the minus strand). VCF-style: chr1-155240057-T-C. GRCh37 (hg19) VCF-style: chr1-155209848-T-C.
Other names: c.136A>G, p.Lys46Glu (NM_001005741.3, NM_001005742.3, NM_001171812.2); c.-126A>G (NM_001171811.2); c.136A>G (NM_001005741.2); short protein forms K46E.
Identifiers: ClinVar variation 2445939 (VCV002445939.2), dbSNP rs142761046, ClinGen allele CA1141831.